The following is an entry in ClinVar:

ClinVar aggregate classification (germline): Uncertain significance. Review status: criteria provided, multiple submitters, no conflicts (2 of 4 stars). 2 submissions from 2 submitters: Uncertain significance (2). Last evaluated 2023-03-09.

Conditions:
Hereditary spastic paraplegia 30. Identifiers: Orphanet 101010, MedGen C5235139, MONDO:0012476.
Neuropathy, hereditary sensory, type 2C. Also called: KIF1A-Related HSAN2 (HSAN2C); Hereditary sensory and autonomic neuropathy type IIC. Identifiers: Orphanet 970, MedGen C3280168, MONDO:0013634, OMIM 614213.
Intellectual disability, autosomal dominant 9 (NESCAVS). Also called: NESCAV SYNDROME; KIF1A-Related Neurodevelopmental Disorder. Identifiers: Orphanet 662367, MedGen C5393830, MONDO:0013656, OMIM 614255.
Inborn genetic diseases. Identifiers: MedGen C0950123, MeSH D030342.

gnomAD v4.1: 2 of 1,594,682 alleles (0.00013%); highest among the groups gnomAD compares: Non-Finnish European, 0.00017%; no homozygotes.

Submissions (2):

Ambry Genetics
Classification: Uncertain significance for Inborn genetic diseases. Last evaluated: 2023-03-09. Review status: criteria provided, single submitter. Criteria: Ambry Variant Classification Scheme 2023. Collection method: clinical testing. Allele origin: germline.

Labcorp Genetics (formerly Invitae), Labcorp
Classification: Uncertain significance for Hereditary spastic paraplegia 30; Neuropathy, hereditary sensory, type 2C; Intellectual disability, autosomal dominant 9. Last evaluated: 2023-02-04. Review status: criteria provided, single submitter. Criteria: Invitae Variant Classification Sherloc (09022015). Collection method: clinical testing. Allele origin: germline.
Comment: Advanced modeling of protein sequence and biophysical properties (such as structural, functional, and spatial information, amino acid conservation, physicochemical variation, residue mobility, and thermodynamic stability) has been performed at Invitae for this missense variant, however the output from this modeling did not meet the statistical confidence thresholds required to predict the impact of this variant on KIF1A protein function. This sequence change replaces serine, which is neutral and polar, with arginine, which is basic and polar, at codon 669 of the KIF1A protein (p.Ser669Arg). This variant is not present in population databases (gnomAD no frequency). This variant has not been reported in the literature in individuals affected with KIF1A-related conditions. In summary, the available evidence is currently insufficient to determine the role of this variant in disease. Therefore, it has been classified as a Variant of Uncertain Significance.

NM_001244008.2(KIF1A):c.2034C>G (p.Ser678Arg)

Gene: KIF1A (kinesin family member 1A; minus strand). Cytogenetic location: 2q37.3.
Variant type: single nucleotide variant.
Coding change: c.2034C>G on transcript NM_001244008.2 (MANE Select); coding-DNA position 2034, C replaced by G.
Protein change: p.Ser678Arg; replaces serine 678 with arginine.
Molecular consequence: missense variant.
Genome position (GRCh38, 1-based): chr2:240,762,801, G>C on the plus strand (C>G on the coding strand, the complement: KIF1A is on the minus strand). VCF-style: chr2-240762801-G-C. GRCh37 (hg19) VCF-style: chr2-241702218-G-C.
Other names: c.2034C>G, p.Ser678Arg (NM_001320705.2, NM_001330289.2, NM_001379638.1); c.2109C>G, p.Ser703Arg (NM_001330290.2, NM_001379631.1, NM_001379634.1 and 2 more transcripts); c.2007C>G, p.Ser669Arg (NM_001379632.1, NM_001379633.1, NM_001379636.1 and 11 more transcripts); c.2082C>G, p.Ser694Arg (NM_001379637.1, NM_001379648.1); short protein forms S669R, S694R, S678R, S703R.
Identifiers: ClinVar variation 2489077 (VCV002489077.5), dbSNP rs779188871, ClinGen allele CA351326432.